The following is an entry in ClinVar:

NM_002855.5(NECTIN1):c.1183G>A (p.Val395Met)

Gene: NECTIN1 (nectin cell adhesion molecule 1; minus strand). Cytogenetic location: 11q23.3.
Variant type: single nucleotide variant.
Coding change: c.1183G>A on transcript NM_002855.5 (MANE Select); coding-DNA position 1183, G replaced by A.
Protein change: p.Val395Met; replaces valine 395 with methionine.
Molecular consequence: missense variant. On other transcripts: intron variant (1).
Genome position (GRCh38, 1-based): chr11:119,665,118, C>T on the plus strand (G>A on the coding strand, the complement: NECTIN1 is on the minus strand). VCF-style: chr11-119665118-C-T. GRCh37 (hg19) VCF-style: chr11-119535828-C-T.
Other names: c.1003+10041G>A (NM_203285.2); short protein forms V395M.
Identifiers: ClinVar variation 2064431 (VCV002064431.4), dbSNP rs141253617, ClinGen allele CA6321841.

ClinVar aggregate classification (germline): Uncertain significance (1 of 4 stars; one submission).

Allele frequency attached by ClinVar (database versions not stated): 1000 Genomes Project 30x 0.00031; gnomAD exomes 0.00005; 1000 Genomes Project 0.00040; ESP Exome Variant Server 0.00054; ExAC 0.00013.
gnomAD v4.1: 161 of 1,614,050 alleles (0.01%); highest among the groups gnomAD compares: African/African-American, 0.2%; no homozygotes.

Submission:

Labcorp Genetics (formerly Invitae), Labcorp
Classification: Uncertain significance. Last evaluated: 2022-03-26. Review status: criteria provided, single submitter. Criteria: Invitae Variant Classification Sherloc (09022015). Collection method: clinical testing. Allele origin: germline.
Comment: In summary, the available evidence is currently insufficient to determine the role of this variant in disease. Therefore, it has been classified as a Variant of Uncertain Significance. Algorithms developed to predict the effect of missense changes on protein structure and function are either unavailable or do not agree on the potential impact of this missense change (SIFT: "Deleterious"; PolyPhen-2: "Probably Damaging"; Align-GVGD: "Class C0"). This missense change has been observed in individual(s) with non-syndromic cleft of the lip and/or palate (PMID: 18356023). This variant is present in population databases (rs141253617, gnomAD 0.2%). This sequence change replaces valine, which is neutral and non-polar, with methionine, which is neutral and non-polar, at codon 395 of the NECTIN1 protein (p.Val395Met).

Literature cited by the submitters: PubMed 18356023.